The following is an entry in ClinVar:

ClinVar aggregate classification (germline): Uncertain significance (1 of 4 stars; one submission).

Conditions:
Early-infantile DEE. Also called: Early infantile epileptic encephalopathy; Ohtahara syndrome; Early infantile epileptic encephalopathy with suppression bursts. Identifiers: Orphanet 1934, MedGen C0393706, MONDO:0800491.

Allele frequency attached by ClinVar (database versions not stated): gnomAD exomes below 0.00001; TOPMed 0.00001; ExAC 0.00002; gnomAD 0.00003; 1000 Genomes Project 30x 0.00047; 1000 Genomes Project 0.00060.
gnomAD v4.1: 7 of 1,602,914 alleles (0.00044%); highest among the groups gnomAD compares: Admixed American, 0.01%; no homozygotes.

Submission:

Labcorp Genetics (formerly Invitae), Labcorp
Classification: Uncertain significance for Early-infantile DEE. Last evaluated: 2022-09-19. Review status: criteria provided, single submitter. Criteria: Invitae Variant Classification Sherloc (09022015). Collection method: clinical testing. Allele origin: germline.
Comment: This sequence change falls in intron 11 of the SPTAN1 gene. It does not directly change the encoded amino acid sequence of the SPTAN1 protein. This variant is present in population databases (rs188709020, gnomAD 0.003%). In summary, the available evidence is currently insufficient to determine the role of this variant in disease. Therefore, it has been classified as a Variant of Uncertain Significance. Algorithms developed to predict the effect of sequence changes on RNA splicing suggest that this variant may disrupt the consensus splice site. This variant has not been reported in the literature in individuals affected with SPTAN1-related conditions.

NM_001130438.3(SPTAN1):c.1462-13T>G

Gene: SPTAN1 (spectrin alpha, non-erythrocytic 1; plus strand). Cytogenetic location: 9q34.11.
Variant type: single nucleotide variant.
Coding change: c.1462-13T>G on transcript NM_001130438.3 (MANE Select); 13 bases into the intron before coding-DNA position 1462, T replaced by G.
Molecular consequence: intron variant.
Genome position (GRCh38, 1-based): chr9:128,581,769, T>G. VCF-style: chr9-128581769-T-G. GRCh37 (hg19) VCF-style: chr9-131344048-T-G.
Other names: c.1498-13T>G (NM_001375318.1, NM_001375312.2); c.1462-13T>G (NM_001375311.2, NM_001375314.2, NM_001375310.1 and 5 more transcripts).
Identifiers: ClinVar variation 2141183 (VCV002141183.4), dbSNP rs188709020, ClinGen allele CA5264417.